The following is an entry in ClinVar:

NM_001130009.3(GEN1):c.985C>G (p.His329Asp)

Gene: GEN1 (GEN1 structure-specific endonuclease; plus strand). Cytogenetic location: 2p24.2.
Variant type: single nucleotide variant.
Coding change: c.985C>G on transcript NM_001130009.3 (MANE Select); coding-DNA position 985, C replaced by G.
Protein change: p.His329Asp; replaces histidine 329 with aspartic acid.
Molecular consequence: missense variant.
Genome position (GRCh38, 1-based): chr2:17,773,127, C>G. VCF-style: chr2-17773127-C-G. GRCh37 (hg19) VCF-style: chr2-17954394-C-G.
Other names: c.985C>G, p.His329Asp (NM_182625.5); short protein forms H329D.
Identifiers: ClinVar variation 4858001 (VCV004858001.1).

ClinVar aggregate classification (germline): Uncertain significance (1 of 4 stars; one submission).

Submission:

Ambry Genetics
Classification: Uncertain significance. Last evaluated: 2026-05-28. Review status: criteria provided, single submitter. Criteria: Ambry Variant Classification Scheme 2023. Collection method: clinical testing. Allele origin: germline.
Comment: The p.H329D variant (also known as c.985C>G), located in coding exon 8 of the GEN1 gene, results from a C to G substitution at nucleotide position 985. The histidine at codon 329 is replaced by aspartic acid, an amino acid with similar properties. This amino acid position is conserved. In addition, this alteration is predicted to be tolerated by in silico analysis. Based on the available evidence, the clinical significance of this variant remains unclear.